The following is an entry in ClinVar:

NM_015338.6(ASXL1):c.2337T>G (p.Pro779=)

Gene: ASXL1 (ASXL transcriptional regulator 1; plus strand). Cytogenetic location: 20q11.21.
Variant type: single nucleotide variant.
Coding change: c.2337T>G on transcript NM_015338.6 (MANE Select); coding-DNA position 2337, T replaced by G.
Protein change: p.Pro779=; no amino-acid change (proline 779 retained).
Molecular consequence: synonymous variant.
Genome position (GRCh38, 1-based): chr20:32,435,049, T>G. VCF-style: chr20-32435049-T-G. GRCh37 (hg19) VCF-style: chr20-31022852-T-G.
Other names: c.2154T>G, p.Pro718= (NM_001363734.1).
Identifiers: ClinVar variation 338096 (VCV000338096.27), dbSNP rs143613684, ClinGen allele CA9808594.
Genomic context (GRCh38, chr20:32,435,049, plus strand): 5'-CCAGGCCTTGCCCCTACTGTCCTCCCAAACCTCAGTAGCTGAGAGATTAGTGGAGCAGCC[T>G]CAGTTGCATCCGGATGTTAGAACTGAATGTGAGTCTGGCACCACTTCCTGGGAAAGTGAT-3'
Protein context (NP_056153.2, residues 769-789): TSVAERLVEQ[Pro779=]QLHPDVRTEC

ClinVar aggregate classification (germline): Benign/Likely benign. Review status: criteria provided, multiple submitters, no conflicts (2 of 4 stars). 5 submissions from 5 submitters: Benign (2); Likely benign (3). Last evaluated 2025-12-01.

Conditions:
Inborn genetic diseases. Identifiers: MedGen C0950123, MeSH D030342.
Bohring-Opitz syndrome. Also called: OPITZ TRIGONOCEPHALY-LIKE SYNDROME; ASXL1-Related Bohring-Opitz Syndrome; BOHRING SYNDROME; C-LIKE SYNDROME. Identifiers: Orphanet 97297, MedGen C0796232, MONDO:0011510, OMIM 605039.

Allele frequency attached by ClinVar (database versions not stated): TOPMed 0.00023; 1000 Genomes Project 30x 0.00031; gnomAD 0.00031 and 0.00033; gnomAD exomes 0.00036 and 0.00041; ExAC 0.00045; ESP Exome Variant Server 0.00069.
gnomAD v4.1: 576 of 1,614,122 alleles (0.036%); highest among the groups gnomAD compares: Non-Finnish European, 0.037%; 2 homozygotes.

Submissions (5):

CeGaT Center for Human Genetics Tuebingen
Classification: Likely benign. Last evaluated: 2025-12-01. Review status: criteria provided, single submitter. Criteria: CeGaT Center For Human Genetics Tuebingen Variant Classification Criteria Version 2. Collection method: clinical testing. Allele origin: germline. Affected: yes. Observed: 2 variant alleles.
Comment: ASXL1: BP4, BP7

Labcorp Genetics (formerly Invitae), Labcorp
Classification: Benign. Last evaluated: 2025-05-30. Review status: criteria provided, single submitter. Criteria: Invitae Variant Classification Sherloc (09022015). Collection method: clinical testing. Allele origin: germline.

Ambry Genetics
Classification: Likely benign for Inborn genetic diseases. Last evaluated: 2024-10-04. Review status: criteria provided, single submitter. Criteria: Ambry Variant Classification Scheme 2023. Collection method: clinical testing. Allele origin: germline.

Genome-Nilou Lab
Classification: Benign for Bohring-Opitz syndrome. Last evaluated: 2021-12-05. Review status: criteria provided, single submitter. Criteria: ACMG Guidelines, 2015. Collection method: clinical testing. Allele origin: germline. Affected: no.

GeneDx
Classification: Likely benign. Last evaluated: 2021-04-13. Review status: criteria provided, single submitter. Criteria: GeneDx Variant Classification Process June 2021. Collection method: clinical testing. Allele origin: germline. Affected: yes.